The following is an entry in ClinVar:

ClinVar aggregate classification (germline): Benign/Likely benign. Review status: criteria provided, multiple submitters, no conflicts (2 of 4 stars). 8 submissions from 8 submitters: Benign (1); Likely benign (3). 4 of the submissions do not count toward it. Last evaluated 2026-01-24.

Conditions:
AGA-related disorder. Also called: AGA-related condition.
Aspartylglucosaminuria (AGU). Also called: GLYCOASPARAGINASE; GLYCOSYLASPARAGINASE DEFICIENCY; AGA DEFICIENCY; Aspartylglucos-aminuria; Aspartylglucos-amidase (AGA) deficiency. Identifiers: Orphanet 93, MedGen C0268225, MONDO:0008830, OMIM 208400, HP:0012068.

Allele frequency attached by ClinVar (database versions not stated): 1000 Genomes Project 0.00060; 1000 Genomes Project 30x 0.00078; ESP Exome Variant Server 0.00154; gnomAD 0.00180 and 0.00188; gnomAD exomes 0.00244 and 0.00279; ExAC 0.00289.
gnomAD v4.1: 4,291 of 1,599,072 alleles (0.27%); highest among the groups gnomAD compares: Non-Finnish European, 0.32%; 14 homozygotes.

Submissions (8):

Labcorp Genetics (formerly Invitae), Labcorp
Classification: Benign for Aspartylglucosaminuria. Last evaluated: 2026-01-24. Review status: criteria provided, single submitter. Criteria: Invitae Variant Classification Sherloc (09022015). Collection method: clinical testing. Allele origin: germline.

CeGaT Center for Human Genetics Tuebingen
Classification: Likely benign. Last evaluated: 2025-12-01. Review status: criteria provided, single submitter. Criteria: CeGaT Center For Human Genetics Tuebingen Variant Classification Criteria Version 2. Collection method: clinical testing. Allele origin: germline. Affected: yes. Observed: 6 variant alleles.
Comment: AGA: BP4, BS2

Blueprint Genetics
Classification: Likely benign. Last evaluated: 2024-11-25. Review status: criteria provided, single submitter. Criteria: ACMG Guidelines, 2015. Collection method: clinical testing. Allele origin: germline.

GeneDx
Classification: Likely benign. Last evaluated: 2020-11-05. Review status: criteria provided, single submitter. Criteria: GeneDx Variant Classification Process June 2021. Collection method: clinical testing. Allele origin: germline. Affected: yes.

PreventionGenetics, part of Exact Sciences
Classification: Likely benign for AGA-related condition. Last evaluated: 2020-11-18. Review status: no assertion criteria provided. Collection method: clinical testing. Allele origin: germline. Not counted in ClinVar's aggregate classification.
Comment: This variant is classified as likely benign based on ACMG/AMP sequence variant interpretation guidelines (Richards et al. 2015 PMID: 25741868, with internal and published modifications).

Natera, Inc.
Classification: Likely benign for Aspartylglucosaminuria. Last evaluated: 2020-04-16. Review status: no assertion criteria provided. Collection method: clinical testing. Allele origin: germline. Not counted in ClinVar's aggregate classification.

Clinical Genetics DNA and cytogenetics Diagnostics Lab, Erasmus MC, Erasmus Medical Center
Classification: Likely benign. Review status: no assertion criteria provided. Collection method: clinical testing. Allele origin: germline. Affected: yes. Study: VKGL Data-share Consensus. Not counted in ClinVar's aggregate classification.

Laboratory of Diagnostic Genome Analysis, Leiden University Medical Center (LUMC)
Classification: Likely benign. Review status: no assertion criteria provided. Collection method: clinical testing. Allele origin: germline. Affected: yes. Study: VKGL Data-share Consensus. Not counted in ClinVar's aggregate classification.

NM_000027.4(AGA):c.623-7C>T

Gene: AGA (aspartylglucosaminidase; minus strand). Cytogenetic location: 4q34.3.
Variant type: single nucleotide variant.
Coding change: c.623-7C>T on transcript NM_000027.4 (MANE Select); 7 bases into the intron before coding-DNA position 623, C replaced by T.
Molecular consequence: intron variant.
Genome position (GRCh38, 1-based): chr4:177,436,358, G>A on the plus strand (C>T on the coding strand, the complement: AGA is on the minus strand). VCF-style: chr4-177436358-G-A. GRCh37 (hg19) VCF-style: chr4-178357512-G-A.
Other names: c.623-7C>T (NM_001171988.2).
Identifiers: ClinVar variation 348233 (VCV000348233.47), dbSNP rs201125635, ClinGen allele CA3146862.